The following is an entry in ClinVar:

NM_000322.5(PRPH2):c.537G>A (p.Trp179Ter)

Gene: PRPH2 (peripherin 2; minus strand). Cytogenetic location: 6p21.1.
Variant type: single nucleotide variant.
Coding change: c.537G>A on transcript NM_000322.5 (MANE Select); coding-DNA position 537, G replaced by A.
Protein change: p.Trp179Ter; replaces tryptophan 179 with a stop codon.
Molecular consequence: nonsense.
Genome position (GRCh38, 1-based): chr6:42,721,798, C>T on the plus strand (G>A on the coding strand, the complement: PRPH2 is on the minus strand). VCF-style: chr6-42721798-C-T. GRCh37 (hg19) VCF-style: chr6-42689536-C-T.
Other names: short protein forms W179*.
Identifiers: ClinVar variation 1075134 (VCV001075134.7), dbSNP rs779414078, ClinGen allele CA364137338.
Genomic context (GRCh38, chr6:42,721,798, plus strand): 5'-ACTGGAAGCCACTCACTCTTTGACTTCTTTGGAGGAAAAGTCCAGGTAGCGATTGCTGAT[C>T]CACTGAATCTCAAACCAGTCCCGAAAACCGTTGTTGCCGCAGCATTTGAACTCGATCTGC-3'

ClinVar aggregate classification (germline): Pathogenic (1 of 4 stars; one submission).

Conditions:
PRPH2-related disorder. Also called: PRPH2-related condition; PRPH2-related disorders. Identifiers: MedGen CN239395.

Submission:

Labcorp Genetics (formerly Invitae), Labcorp
Classification: Pathogenic for PRPH2-related disorder. Last evaluated: 2024-02-02. Review status: criteria provided, single submitter. Criteria: Invitae Variant Classification Sherloc (09022015). Collection method: clinical testing. Allele origin: germline.
Comment: This sequence change creates a premature translational stop signal (p.Trp179*) in the PRPH2 gene. It is expected to result in an absent or disrupted protein product. Loss-of-function variants in PRPH2 are known to be pathogenic (PMID: 8111389, 8485575, 8485576, 8675410, 16916875, 17504850, 22863181, 25675413, 26061163, 27365499, 29555955, 33546218). This variant is not present in population databases (gnomAD no frequency). This variant has not been reported in the literature in individuals affected with PRPH2-related conditions. ClinVar contains an entry for this variant (Variation ID: 1075134). For these reasons, this variant has been classified as Pathogenic.

Literature cited by the submitters: PubMed 8111389; PubMed 8485575; PubMed 8485576; PubMed 8675410; PubMed 16916875; PubMed 17504850; PubMed 22863181; PubMed 25675413; PubMed 26061163; PubMed 27365499; PubMed 29555955; PubMed 33546218.